The following is an entry in ClinVar:

ClinVar aggregate classification (germline): Uncertain significance (1 of 4 stars; one submission).

Conditions:
Charcot-Marie-Tooth disease type 4. Also called: Charcot-Marie-Tooth, Type 4; Charcot-Marie-Tooth disease, type IV. Identifiers: Orphanet 64749, MedGen C4082197, MONDO:0018995.

Submission:

Labcorp Genetics (formerly Invitae), Labcorp
Classification: Uncertain significance for Charcot-Marie-Tooth disease type 4. Last evaluated: 2022-10-13. Review status: criteria provided, single submitter. Criteria: Invitae Variant Classification Sherloc (09022015). Collection method: clinical testing. Allele origin: germline.
Comment: This variant, c.199_201del, results in the deletion of 1 amino acid(s) of the FGD4 protein (p.Leu67del), but otherwise preserves the integrity of the reading frame. This variant is present in population databases (rs763887179, gnomAD 0.003%). This variant has not been reported in the literature in individuals affected with FGD4-related conditions. ClinVar contains an entry for this variant (Variation ID: 941576). Experimental studies and prediction algorithms are not available or were not evaluated, and the functional significance of this variant is currently unknown. In summary, the available evidence is currently insufficient to determine the role of this variant in disease. Therefore, it has been classified as a Variant of Uncertain Significance.

NM_001370298.3(FGD4):c.607CTC[1] (p.Leu204del)

Gene: FGD4 (FYVE, RhoGEF and PH domain containing 4; plus strand). Cytogenetic location: 12p11.21.
Variant type: Microsatellite.
Coding change: c.607CTC[1] on transcript NM_001370298.3 (MANE Select); one copy of the 3-base unit CTC starting at c.607; the reference has two copies in a row; one copy, 3 bases deleted.
Protein change: p.Leu204del; deletes leucine 204.
Molecular consequence: inframe deletion. On other transcripts: frameshift variant (1), 5 prime UTR variant (5), non-coding transcript variant (1), intron variant (1).
Genome position (GRCh38, 1-based): chr12:32,582,066-32,582,068, CTC deleted; deleting any 3 consecutive bases within chr12:32,582,063-32,582,068 gives the same sequence; the position shown is the placement nearest the transcript's 3' end. VCF-style (leftmost placement, unchanged base first): chr12-32582062-ACTC-A. GRCh37 (hg19) VCF-style: chr12-32734996-ACTC-A.
Other names: c.199_201del (NM_139241.3); c.451_453CTC[1], p.Leu152Profs (NM_001304481.2); c.-649CTC[1] (NM_001304483.2); c.-956CTC[1] (NM_001304484.2); c.-84CTC[1] (NM_001330373.2, NM_001330374.2, NM_001384130.1); c.607CTC[1], p.Leu204del (NM_001384126.1); c.196CTC[1], p.Leu67del (NM_001384127.1, NM_001384128.1, NM_001384131.1 and 3 more transcripts); c.49-16431_49-16429del (NM_001370297.1); short protein forms L152del, L67del, L204del.
Identifiers: ClinVar variation 941576 (VCV000941576.7), dbSNP rs763887179, ClinGen allele CA6506598.
Genomic context (GRCh38, chr12:32,582,062, plus strand): 5'-GAACCTAAATGCTCCTAGAACCCCAGGAAGGCATGGATTGACAACCACACCTCAACAAAA[ACTC>A]CTCTCCCAGCACTTGCCACAGAGGCAGGGAAATGATACAGATAAGACTCAGGGTGCACAG-3'